The following is an entry in ClinVar:

ClinVar aggregate classification (germline): Uncertain significance (1 of 4 stars; one submission).

Conditions:
T-B+ severe combined immunodeficiency due to JAK3 deficiency. Also called: SCID, autosomal recessive, T-negative/B-positive type; SCID, T CELL-NEGATIVE, B CELL-POSITIVE, NK CELL-NEGATIVE. Identifiers: Orphanet 35078, MedGen C1833275, MONDO:0010938, OMIM 600802.

Allele frequency attached by ClinVar (database versions not stated): TOPMed below 0.00001; gnomAD exomes 0.00001; ExAC 0.00002.
gnomAD v4.1: 8 of 1,601,042 alleles (0.0005%); highest among the groups gnomAD compares: South Asian, 0.0011%; no homozygotes.

Submission:

Labcorp Genetics (formerly Invitae), Labcorp
Classification: Uncertain significance for T-B+ severe combined immunodeficiency due to JAK3 deficiency. Last evaluated: 2024-10-24. Review status: criteria provided, single submitter. Criteria: Invitae Variant Classification Sherloc (09022015). Collection method: clinical testing. Allele origin: germline.
Comment: This sequence change replaces valine, which is neutral and non-polar, with methionine, which is neutral and non-polar, at codon 55 of the JAK3 protein (p.Val55Met). The frequency data for this variant in the population databases is considered unreliable, as metrics indicate poor data quality at this position in the gnomAD database. This variant has not been reported in the literature in individuals affected with JAK3-related conditions. ClinVar contains an entry for this variant (Variation ID: 1940722). Invitae Evidence Modeling of protein sequence and biophysical properties (such as structural, functional, and spatial information, amino acid conservation, physicochemical variation, residue mobility, and thermodynamic stability) has been performed for this missense variant. However, the output from this modeling did not meet the statistical confidence thresholds required to predict the impact of this variant on JAK3 protein function. In summary, the available evidence is currently insufficient to determine the role of this variant in disease. Therefore, it has been classified as a Variant of Uncertain Significance.

NM_000215.4(JAK3):c.163G>A (p.Val55Met)

Gene: JAK3 (Janus kinase 3; minus strand). Cytogenetic location: 19p13.11.
Variant type: single nucleotide variant.
Coding change: c.163G>A on transcript NM_000215.4 (MANE Select); coding-DNA position 163, G replaced by A.
Protein change: p.Val55Met; replaces valine 55 with methionine.
Molecular consequence: missense variant.
Genome position (GRCh38, 1-based): chr19:17,844,255, C>T on the plus strand (G>A on the coding strand, the complement: JAK3 is on the minus strand). VCF-style: chr19-17844255-C-T. GRCh37 (hg19) VCF-style: chr19-17955064-C-T.
Other names: short protein forms V55M.
Identifiers: ClinVar variation 1940722 (VCV001940722.4), dbSNP rs749334592, ClinGen allele CA9302257.
Genomic context (GRCh38, chr19:17,844,255, plus strand): 5'-ATCCTTCCCTCTGGCCCGATCCACTAGGGATGCACTCACCGCTGGCCTTGGCAGCCTGCA[C>T]GCACAGGTCCTCAGCCAAGTGGTCCCCAAAGGAGAAAGATAGGCGCTGGGGGGGCCCGGG-3'
Protein context (NP_000206.2, residues 45-65): FGDHLAEDLC[Val55Met]QAAKASGILP